The following is an entry in ClinVar:

NM_001754.5(RUNX1):c.257C>T (p.Pro86Leu)

Gene: RUNX1 (RUNX family transcription factor 1; minus strand). Cytogenetic location: 21q22.12.
Variant type: single nucleotide variant.
Coding change: c.257C>T on transcript NM_001754.5 (MANE Select); coding-DNA position 257, C replaced by T.
Protein change: p.Pro86Leu; replaces proline 86 with leucine.
Molecular consequence: missense variant.
Genome position (GRCh38, 1-based): chr21:34,886,937, G>A on the plus strand (C>T on the coding strand, the complement: RUNX1 is on the minus strand). VCF-style: chr21-34886937-G-A. GRCh37 (hg19) VCF-style: chr21-36259234-G-A.
Other names: c.257C>T (NM_001754.4); c.176C>T, p.Pro59Leu (NM_001001890.3, NM_001122607.2); short protein forms P86L, P59L.
Identifiers: ClinVar variation 1450492 (VCV001450492.9), dbSNP rs2057999909, ClinGen allele CA410203786.

ClinVar aggregate classification (germline): Uncertain significance. Review status: reviewed by expert panel (3 of 4 stars). 4 submissions from 4 submitters: Uncertain significance (1). 3 of the submissions do not count toward it. Last evaluated 2024-08-12.

Conditions:
Hereditary thrombocytopenia and hematological cancer predisposition syndrome associated with RUNX1. Also called: Familial Platelet Disorder with Propensity to Acute Myelogenous Leukemia; Familial thrombocytopenia with propensity to acute myelogenous leukemia; RUNX1 Familial Platelet Disorder with Associated Myeloid Malignancies; PLATELET DISORDER, ASPIRIN-LIKE. Identifiers: Orphanet 71290, MedGen C1832388, MeSH C563324, MONDO:0100083, OMIM 601399.
Hereditary thrombocytopenia and hematologic cancer predisposition syndrome. Identifiers: Orphanet 71290, MedGen CN281654, MONDO:0011071.
Inborn genetic diseases. Identifiers: MedGen C0950123, MeSH D030342.

Allele frequency attached by ClinVar (database versions not stated): gnomAD exomes below 0.00001; TOPMed 0.00001.
gnomAD v4.1: 4 of 1,612,972 alleles (0.00025%); highest among the groups gnomAD compares: Admixed American, 0.0067%; no homozygotes.

Submissions (4):

ClinGen Myeloid Malignancy Variant Curation Expert Panel
Classification: Uncertain significance for Hereditary thrombocytopenia and hematologic cancer predisposition syndrome. Last evaluated: 2024-08-12. Review status: reviewed by expert panel. Criteria: ClinGen MyeloMalig ACMG Specifications v2. Collection method: curation. Allele origin: germline. Inheritance: Autosomal dominant inheritance.
Comment: NM_001754.5(RUNX1):c.257C>T (p.Pro86Leu) is a missense variant which is completely absent from all population databases with at least 20x coverage for RUNX1 (PM2_supporting). It is not located at a hotspot or critical region of the Runt Homology Domain. The REVEL score is 0.854 and there is no splicing impact per SpliceAI. In summary, the clinical significance of this variant is uncertain. ACMG/AMP criteria applied, as specified by the ClinGen Myeloid Malignancy Variant Curation Expert Panel for RUNX1: PM2_supporting.

Ambry Genetics
Classification: Uncertain significance for Inborn genetic diseases. Last evaluated: 2025-06-18. Review status: criteria provided, single submitter. Criteria: Ambry Variant Classification Scheme 2023. Collection method: clinical testing. Allele origin: germline. Not counted in ClinVar's aggregate classification.
Comment: The p.P86L variant (also known as c.257C>T), located in coding exon 3 of the RUNX1 gene, results from a C to T substitution at nucleotide position 257. The proline at codon 86 is replaced by leucine, an amino acid with similar properties. This amino acid position is highly conserved in available vertebrate species. In addition, this alteration is predicted to be deleterious by in silico analysis. Based on the available evidence, the clinical significance of this variant remains unclear.

Labcorp Genetics (formerly Invitae), Labcorp
Classification: Uncertain significance for Hereditary thrombocytopenia and hematological cancer predisposition syndrome associated with RUNX1. Last evaluated: 2024-05-29. Review status: criteria provided, single submitter. Criteria: Invitae Variant Classification Sherloc (09022015). Collection method: clinical testing. Allele origin: germline. Not counted in ClinVar's aggregate classification.
Comment: This sequence change replaces proline, which is neutral and non-polar, with leucine, which is neutral and non-polar, at codon 86 of the RUNX1 protein (p.Pro86Leu). This variant is not present in population databases (gnomAD no frequency). This variant has not been reported in the literature in individuals affected with RUNX1-related conditions. ClinVar contains an entry for this variant (Variation ID: 1450492). Advanced modeling of protein sequence and biophysical properties (such as structural, functional, and spatial information, amino acid conservation, physicochemical variation, residue mobility, and thermodynamic stability) has been performed at Invitae for this missense variant, however the output from this modeling did not meet the statistical confidence thresholds required to predict the impact of this variant on RUNX1 protein function. In summary, the available evidence is currently insufficient to determine the role of this variant in disease. Therefore, it has been classified as a Variant of Uncertain Significance.

ISTH-SSC Genomics in Thrombosis and Hemostasis, KU Leuven, Center for Molecular and Vascular Biology
Classification: Uncertain significance for Hereditary thrombocytopenia and hematological cancer predisposition syndrome associated with RUNX1. Review status: criteria provided, single submitter. Criteria: ACMG Guidelines, 2015. Collection method: clinical testing. Allele origin: germline. Affected: yes. Observed: 1 heterozygote. Not counted in ClinVar's aggregate classification.
Comment: Submitted to the GoldVariant database by Dr Marie-Christine Morel-Kopp; Northern Blood Research Centre, Sydney, Australia